The following is an entry in ClinVar:

NM_000057.4(BLM):c.3659G>C (p.Gly1220Ala)

Gene: BLM (BLM RecQ like helicase; plus strand). Cytogenetic location: 15q26.1.
Variant type: single nucleotide variant.
Coding change: c.3659G>C on transcript NM_000057.4 (MANE Select); coding-DNA position 3659, G replaced by C.
Protein change: p.Gly1220Ala; replaces glycine 1220 with alanine.
Molecular consequence: missense variant. On other transcripts: intron variant (1).
Genome position (GRCh38, 1-based): chr15:90,804,267, G>C. VCF-style: chr15-90804267-G-C. GRCh37 (hg19) VCF-style: chr15-91347497-G-C.
Other names: c.3659G>C, p.Gly1220Ala (NM_001287246.2); c.2534G>C, p.Gly845Ala (NM_001287248.2); c.3359-4870G>C (NM_001287247.2); short protein forms G1220A, G845A.
Identifiers: ClinVar variation 1481012 (VCV001481012.5), dbSNP rs1897235538, ClinGen allele CA393848106.

ClinVar aggregate classification (germline): Uncertain significance (1 of 4 stars; one submission).

Conditions:
Bloom syndrome (BLM). Also called: Bloom-Torre-Machacek syndrome. Identifiers: Orphanet 125, MedGen C0005859, MONDO:0008876, OMIM 210900.

Submission:

Labcorp Genetics (formerly Invitae), Labcorp
Classification: Uncertain significance for Bloom syndrome. Last evaluated: 2021-08-31. Review status: criteria provided, single submitter. Criteria: Invitae Variant Classification Sherloc (09022015). Collection method: clinical testing. Allele origin: germline.
Comment: This sequence change replaces glycine with alanine at codon 1220 of the BLM protein (p.Gly1220Ala). The glycine residue is moderately conserved and there is a small physicochemical difference between glycine and alanine. This variant is not present in population databases (ExAC no frequency). This variant has not been reported in the literature in individuals affected with BLM-related conditions. Algorithms developed to predict the effect of missense changes on protein structure and function (SIFT, PolyPhen-2, Align-GVGD) all suggest that this variant is likely to be tolerated. In summary, the available evidence is currently insufficient to determine the role of this variant in disease. Therefore, it has been classified as a Variant of Uncertain Significance.